The following is an entry in ClinVar:

NM_000368.5(TSC1):c.3394C>G (p.Pro1132Ala)

Gene: TSC1 (TSC complex subunit 1; minus strand). Cytogenetic location: 9q34.13.
Variant type: single nucleotide variant.
Coding change: c.3394C>G on transcript NM_000368.5 (MANE Select); coding-DNA position 3394, C replaced by G.
Protein change: p.Pro1132Ala; replaces proline 1132 with alanine.
Molecular consequence: missense variant.
Genome position (GRCh38, 1-based): chr9:132,896,336, G>C on the plus strand (C>G on the coding strand, the complement: TSC1 is on the minus strand). VCF-style: chr9-132896336-G-C. GRCh37 (hg19) VCF-style: chr9-135771723-G-C.
Other names: c.3379C>G, p.Pro1127Ala (NM_001406601.1, NM_001406602.1); c.3376C>G, p.Pro1126Ala (NM_001406603.1, NM_001406604.1); c.3352C>G, p.Pro1118Ala (NM_001406605.1, NM_001406606.1, NM_001406607.1); c.3349C>G, p.Pro1117Ala (NM_001406608.1, NM_001406609.1); c.3241C>G, p.Pro1081Ala (NM_001406610.1, NM_001162427.2); c.3028C>G, p.Pro1010Ala (NM_001406620.1, NM_001406621.1, NM_001406622.1 and 1 more transcripts); c.2989C>G, p.Pro997Ala (NM_001406624.1); c.2986C>G, p.Pro996Ala (NM_001406625.1); and 8 more; short protein forms P1066A, P1080A, P1127A, P815A, P1011A, P1081A, P1126A, P996A.
Identifiers: ClinVar variation 2046661 (VCV002046661.6), dbSNP rs1249897804, ClinGen allele CA375366461.

ClinVar aggregate classification (germline): Conflicting classifications of pathogenicity. Review status: criteria provided, conflicting classifications (1 of 4 stars). 2 submissions from 2 submitters: Uncertain significance (1); Likely benign (1). Last evaluated 2026-07-10.

Conditions:
Tuberous sclerosis 1 (TSC1). Identifiers: Orphanet 805, MedGen C1854465, MONDO:0008612, OMIM 191100.
Hereditary cancer-predisposing syndrome. Also called: Hereditary neoplastic syndrome; Neoplastic Syndromes, Hereditary; Tumor predisposition; Hereditary Cancer Syndrome. Identifiers: Orphanet 140162, MedGen C0027672, MeSH D009386, MONDO:0015356.

Submissions (2):

Ambry Genetics
Classification: Likely benign for Hereditary cancer-predisposing syndrome. Last evaluated: 2026-07-10. Review status: criteria provided, single submitter. Criteria: Ambry Variant Classification Scheme 2023. Collection method: clinical testing. Allele origin: germline.

Labcorp Genetics (formerly Invitae), Labcorp
Classification: Uncertain significance for Tuberous sclerosis 1. Last evaluated: 2023-02-07. Review status: criteria provided, single submitter. Criteria: Invitae Variant Classification Sherloc (09022015). Collection method: clinical testing. Allele origin: germline.
Comment: In summary, the available evidence is currently insufficient to determine the role of this variant in disease. Therefore, it has been classified as a Variant of Uncertain Significance. Advanced modeling of protein sequence and biophysical properties (such as structural, functional, and spatial information, amino acid conservation, physicochemical variation, residue mobility, and thermodynamic stability) performed at Invitae indicates that this missense variant is not expected to disrupt TSC1 protein function. This sequence change replaces proline, which is neutral and non-polar, with alanine, which is neutral and non-polar, at codon 1132 of the TSC1 protein (p.Pro1132Ala). This variant is not present in population databases (gnomAD no frequency). This variant has not been reported in the literature in individuals affected with TSC1-related conditions.